The following is an entry in ClinVar:

NM_000903.3(NQO1):c.777C>T (p.His259=)

Gene: NQO1 (NAD(P)H quinone dehydrogenase 1; minus strand). Cytogenetic location: 16q22.1.
Variant type: single nucleotide variant.
Coding change: c.777C>T on transcript NM_000903.3 (MANE Select); coding-DNA position 777, C replaced by T.
Protein change: p.His259=; no amino-acid change (histidine 259 retained).
Molecular consequence: synonymous variant.
Genome position (GRCh38, 1-based): chr16:69,711,024, G>A on the plus strand (C>T on the coding strand, the complement: NQO1 is on the minus strand). VCF-style: chr16-69711024-G-A. GRCh37 (hg19) VCF-style: chr16-69744927-G-A.
Other names: c.675C>T, p.His225= (NM_001025433.2); c.663C>T, p.His221= (NM_001025434.2); c.561C>T, p.His187= (NM_001286137.2).
Identifiers: ClinVar variation 1760587 (VCV001760587.4), dbSNP rs762495795, ClinGen allele CA8136129.

ClinVar aggregate classification (germline): Likely benign. Review status: criteria provided, single submitter (1 of 4 stars). 2 submissions from 2 submitters: Likely benign (1). 1 of the submissions does not count toward it. Last evaluated 2022-02-23.

Conditions:
NQO1-related disorder. Also called: NQO1-related condition.

Allele frequency attached by ClinVar (database versions not stated): gnomAD 0.00003; gnomAD exomes 0.00004; TOPMed 0.00004; ExAC 0.00008.

Submissions (2):

Ambry Genetics
Classification: Likely benign. Last evaluated: 2022-02-23. Review status: criteria provided, single submitter. Criteria: Ambry Variant Classification Scheme 2023. Collection method: clinical testing. Allele origin: germline.

PreventionGenetics, part of Exact Sciences
Classification: Likely benign for NQO1-related condition. Last evaluated: 2019-05-02. Review status: no assertion criteria provided. Collection method: clinical testing. Allele origin: germline. Not counted in ClinVar's aggregate classification.
Comment: This variant is classified as likely benign based on ACMG/AMP sequence variant interpretation guidelines (Richards et al. 2015 PMID: 25741868, with internal and published modifications).